The following is an entry in ClinVar:

NM_001367624.2(ZNF469):c.7310del (p.Asp2437fs)

Gene: ZNF469 (zinc finger protein 469; plus strand). Cytogenetic location: 16q24.2.
Variant type: Deletion.
Coding change: c.7310del on transcript NM_001367624.2 (MANE Select); coding-DNA position 7310, one base deleted (A; older notation c.7310delA).
Protein change: p.Asp2437fs; shifts the reading frame from aspartic acid 2437.
Molecular consequence: frameshift variant.
Genome position (GRCh38, 1-based): chr16:88,434,780, A deleted. VCF-style (leftmost placement, unchanged base first): chr16-88434779-GA-G. GRCh37 (hg19) VCF-style: chr16-88501187-GA-G.
Other names: short protein forms D2437fs.
Identifiers: ClinVar variation 2113554 (VCV002113554.4), dbSNP rs2507596154, ClinGen allele CA2580092304.

ClinVar aggregate classification (germline): Pathogenic (1 of 4 stars; one submission).

Allele frequency attached by ClinVar (database versions not stated): gnomAD exomes below 0.00001.

Submission:

Labcorp Genetics (formerly Invitae), Labcorp
Classification: Pathogenic. Last evaluated: 2023-08-30. Review status: criteria provided, single submitter. Criteria: Invitae Variant Classification Sherloc (09022015). Collection method: clinical testing. Allele origin: germline.
Comment: ClinVar contains an entry for this variant (Variation ID: 2113554). This sequence change creates a premature translational stop signal (p.Asp2409Alafs*36) in the ZNF469 gene. While this is not anticipated to result in nonsense mediated decay, it is expected to disrupt the last 1517 amino acid(s) of the ZNF469 protein. This variant is not present in population databases (gnomAD no frequency). This variant has not been reported in the literature in individuals affected with ZNF469-related conditions. This variant disrupts a region of the ZNF469 protein in which other variant(s) (p.Arg3414Glyfs*59) have been determined to be pathogenic (PMID: 32671420). This suggests that this is a clinically significant region of the protein, and that variants that disrupt it are likely to be disease-causing. For these reasons, this variant has been classified as Pathogenic.

Literature cited by the submitters: PubMed 32671420.